The following is an entry in ClinVar:

NM_130837.3(OPA1):c.785G>T (p.Arg262Leu)

Genes: OPA1 (OPA1 mitochondrial dynamin like GTPase; plus strand), OPA1-AS1 (OPA1 antisense RNA 1; minus strand). Cytogenetic location: 3q29.
Variant type: single nucleotide variant.
Coding change: c.785G>T on transcript NM_130837.3 (MANE Select); coding-DNA position 785, G replaced by T.
Protein change: p.Arg262Leu; replaces arginine 262 with leucine.
Molecular consequence: missense variant. On other transcripts: intron variant (5).
Genome position (GRCh38, 1-based): chr3:193,626,198, G>T. VCF-style: chr3-193626198-G-T. GRCh37 (hg19) VCF-style: chr3-193343987-G-T.
Other names: c.251G>T, p.Arg84Leu (NM_001354663.2); c.623G>T, p.Arg208Leu (NM_130833.3); c.677G>T, p.Arg226Leu (NM_130835.3); c.731G>T, p.Arg244Leu (NM_130836.3); c.253-5414G>T (NM_001354664.2); c.679-5414G>T (NM_130834.3); c.625-5414G>T (NM_015560.3); c.571-5414G>T (NM_130832.3); and 1 more; short protein forms R208L, R226L, R244L, R262L, R84L.
Identifiers: ClinVar variation 1581204 (VCV001581204.11), dbSNP rs201202646, ClinGen allele CA2759141.

ClinVar aggregate classification (germline): Uncertain significance. Review status: criteria provided, multiple submitters, no conflicts (2 of 4 stars). 3 submissions from 3 submitters: Uncertain significance (3). Last evaluated 2025-06-14.

Allele frequency attached by ClinVar (database versions not stated): 1000 Genomes Project 30x 0.00031.
gnomAD v4.1: 23 of 1,611,516 alleles (0.0014%); highest among the groups gnomAD compares: Admixed American, 0.012%; no homozygotes.

Submissions (3):

Labcorp Genetics (formerly Invitae), Labcorp
Classification: Uncertain significance. Last evaluated: 2025-06-14. Review status: criteria provided, single submitter. Criteria: Invitae Variant Classification Sherloc (09022015). Collection method: clinical testing. Allele origin: germline.
Comment: The OPA1 gene has multiple clinically relevant transcripts. This variant occurs in alternate transcript NM_130837.2, and corresponds to NM_015560.2:c.625-5414G>T in the primary transcript. This sequence change replaces arginine, which is basic and polar, with leucine, which is neutral and non-polar, at codon 262 of the OPA1 protein (p.Arg262Leu). This variant is present in population databases (rs201202646, gnomAD 0.009%). This variant has not been reported in the literature in individuals affected with OPA1-related conditions. ClinVar contains an entry for this variant (Variation ID: 1581204). Experimental studies and prediction algorithms are not available or were not evaluated, and the functional significance of this variant is currently unknown. Algorithms developed to predict the effect of sequence changes on RNA splicing suggest that this variant is not likely to affect RNA splicing. In summary, the available evidence is currently insufficient to determine the role of this variant in disease. Therefore, it has been classified as a Variant of Uncertain Significance.

Women's Health and Genetics/Laboratory Corporation of America, LabCorp
Classification: Uncertain significance. Last evaluated: 2024-06-03. Review status: criteria provided, single submitter. Criteria: LabCorp Variant Classification Summary - May 2015. Collection method: clinical testing. Allele origin: germline.
Comment: Variant summary: OPA1 c.625-5414G>T in transcript NM_015560 which is located at a position not widely known to affect splicing, also corresponds to c.785G>T (p.Arg262Leu) in transcript NM_130837 where it results in a non-conservative amino acid change in the encoded protein sequence. The variant allele was found at a frequency of 1.6e-05 in 251364 control chromosomes (gnomAD). The available data on variant occurrences in the general population are insufficient to allow any conclusion about variant significance. To our knowledge, no occurrence of this variant in individuals affected with OPA1-Related Disorders and no experimental evidence demonstrating its impact on protein function have been reported. ClinVar contains an entry for this variant (Variation ID: 1581204). Based on the evidence outlined above, the variant was classified as uncertain significance.

GeneDx
Classification: Uncertain significance. Last evaluated: 2023-10-13. Review status: criteria provided, single submitter. Criteria: GeneDx Variant Classification Process June 2021. Collection method: clinical testing. Allele origin: germline. Affected: yes.
Comment: In silico analysis supports that this variant does not alter splicing; Has not been previously published as pathogenic or benign to our knowledge; Reported using an alternate transcript of the gene